The following is an entry in ClinVar:

ClinVar aggregate classification (germline): Uncertain significance (1 of 4 stars; one submission).

Allele frequency attached by ClinVar (database versions not stated): TOPMed below 0.00001.

Submission:

Ambry Genetics
Classification: Uncertain significance. Last evaluated: 2021-06-30. Review status: criteria provided, single submitter. Criteria: Ambry Variant Classification Scheme 2023. Collection method: clinical testing. Allele origin: germline.
Comment: The p.T394R variant (also known as c.1181C>G), located in coding exon 10 of the BUB1 gene, results from a C to G substitution at nucleotide position 1181. The threonine at codon 394 is replaced by arginine, an amino acid with similar properties. This amino acid position is conserved. In addition, this alteration is predicted to be tolerated by in silico analysis. Since supporting evidence is limited at this time, the clinical significance of this alteration remains unclear.

NM_004336.5(BUB1):c.1181C>G (p.Thr394Arg)

Gene: BUB1 (BUB1 mitotic checkpoint serine/threonine kinase; minus strand). Cytogenetic location: 2q13.
Variant type: single nucleotide variant.
Coding change: c.1181C>G on transcript NM_004336.5 (MANE Select); coding-DNA position 1181, C replaced by G.
Protein change: p.Thr394Arg; replaces threonine 394 with arginine.
Molecular consequence: missense variant.
Genome position (GRCh38, 1-based): chr2:110,661,618, G>C on the plus strand (C>G on the coding strand, the complement: BUB1 is on the minus strand). VCF-style: chr2-110661618-G-C. GRCh37 (hg19) VCF-style: chr2-111419195-G-C.
Other names: c.1121C>G, p.Thr374Arg (NM_001278616.2); c.1181C>G, p.Thr394Arg (NM_001278617.2); short protein forms T394R, T374R.
Identifiers: ClinVar variation 1742293 (VCV001742293.2), dbSNP rs1051110913, ClinGen allele CA53536496.